The following is an entry in ClinVar:

NM_133259.4(LRPPRC):c.3605A>T (p.Asn1202Ile)

Gene: LRPPRC (leucine rich pentatricopeptide repeat containing; minus strand). Cytogenetic location: 2p21.
Variant type: single nucleotide variant.
Coding change: c.3605A>T on transcript NM_133259.4 (MANE Select); coding-DNA position 3605, A replaced by T.
Protein change: p.Asn1202Ile; replaces asparagine 1202 with isoleucine.
Molecular consequence: missense variant.
Genome position (GRCh38, 1-based): chr2:43,899,570, T>A on the plus strand (A>T on the coding strand, the complement: LRPPRC is on the minus strand). VCF-style: chr2-43899570-T-A. GRCh37 (hg19) VCF-style: chr2-44126709-T-A.
Other names: short protein forms N1202I.
Identifiers: ClinVar variation 2631047 (VCV002631047.1), dbSNP rs551840833, ClinGen allele CA1638015.

ClinVar aggregate classification (germline): Uncertain significance (1 of 4 stars; one submission).

Conditions:
LRPPRC-related disorder. Also called: LRPPRC-related condition.

gnomAD v4.1: 3 of 1,609,246 alleles (0.00019%); highest among the groups gnomAD compares: Non-Finnish European, 0.00026%; no homozygotes.

Submission:

PreventionGenetics, part of Exact Sciences
Classification: Uncertain significance for LRPPRC-related condition. Last evaluated: 2023-08-21. Review status: criteria provided, single submitter. Criteria: ACMG Guidelines, 2015. Collection method: clinical testing. Allele origin: germline.
Comment: The LRPPRC c.3605A>T variant is predicted to result in the amino acid substitution p.Asn1202Ile. To our knowledge, this variant has not been reported in the literature. This variant is reported in 0.00088% of alleles in individuals of European (Non-Finnish) descent in gnomAD. At this time, the clinical significance of this variant is uncertain due to the absence of conclusive functional and genetic evidence.